The following is an entry in ClinVar:

ClinVar aggregate classification (germline): Pathogenic (1 of 4 stars; one submission).

Submission:

Labcorp Genetics (formerly Invitae), Labcorp
Classification: Pathogenic. Last evaluated: 2021-07-07. Review status: criteria provided, single submitter. Criteria: Invitae Variant Classification Sherloc (09022015). Collection method: clinical testing. Allele origin: germline.
Comment: For these reasons, this variant has been classified as Pathogenic. This variant has not been reported in the literature in individuals affected with FCHO1-related conditions. This variant is not present in population databases (ExAC no frequency). This sequence change creates a premature translational stop signal (p.Arg613Profs*17) in the FCHO1 gene. It is expected to result in an absent or disrupted protein product. Loss-of-function variants in FCHO1 are known to be pathogenic (PMID: 30822429).

Literature cited by the submitters: PubMed 30822429.

NM_015122.3(FCHO1):c.1834_1835dup (p.Arg613fs)

Gene: FCHO1 (FCH and mu domain containing endocytic adaptor 1; plus strand). Cytogenetic location: 19p13.11.
Variant type: Microsatellite.
Coding change: c.1834_1835dup on transcript NM_015122.3 (MANE Select); coding-DNA positions 1834 to 1835, 2 bases duplicated (TC; older notation c.1834_1835dupTC).
Protein change: p.Arg613fs; shifts the reading frame from arginine 613.
Molecular consequence: frameshift variant. On other transcripts: non-coding transcript variant (36).
Genome position (GRCh38, 1-based): chr19:17,781,717-17,781,718, TC duplicated; duplicating any 2 consecutive bases within chr19:17,781,715-17,781,718 gives the same sequence; the c. name uses the placement nearest the transcript's 3' end. VCF-style (leftmost placement, unchanged base first): chr19-17781714-G-GTC. GRCh37 (hg19) VCF-style: chr19-17892523-G-GTC.
Other names: c.1834_1835dup, p.Arg613fs (NM_001161357.2, NM_001161358.2, NM_001384370.1 and 13 more transcripts); c.1684_1685dup, p.Arg563fs (NM_001161359.2, NM_001384384.1, NM_001384385.1 and 1 more transcripts); c.1795_1796dup, p.Arg600fs (NM_001384388.1, NM_001384389.1, NM_001384405.1); c.1759_1760dup, p.Arg588fs (NM_001384390.1); c.1717_1718dup, p.Arg574fs (NM_001384392.1, NM_001384393.1, NM_001384394.1 and 1 more transcripts); c.1558_1559dup, p.Arg521fs (NM_001384396.1, NM_001384397.1, NM_001384398.1 and 5 more transcripts); c.1513_1514dup, p.Arg506fs (NM_001384403.1); c.1408_1409dup, p.Arg471fs (NM_001384406.1); and 1 more; short protein forms R563fs, R613fs, R471fs, R506fs, R521fs, R588fs, R423fs, R600fs.
Identifiers: ClinVar variation 1457410 (VCV001457410.6), dbSNP rs2147323888, ClinGen allele CA2580613086.